The following is an entry in ClinVar:

ClinVar aggregate classification (germline): Benign/Likely benign. Review status: criteria provided, multiple submitters, no conflicts (2 of 4 stars). 8 submissions from 8 submitters: Benign (4); Likely benign (4). Last evaluated 2026-03-27.

Conditions:
Long QT syndrome (LQTS). Identifiers: MedGen C0023976, MeSH D008133, MONDO:0002442. Disease mechanism: loss of function. Inheritance: Various modes of inheritance.

Allele frequency attached by ClinVar (database versions not stated): gnomAD exomes 0.00015 and 0.00036; ExAC 0.00047; 1000 Genomes Project 0.00140; TOPMed 0.00143; gnomAD 0.00151 and 0.00163; 1000 Genomes Project 30x 0.00156; ESP Exome Variant Server 0.00200.
gnomAD v4.1: 445 of 1,604,908 alleles (0.028%); highest among the groups gnomAD compares: African/African-American, 0.51%; 2 homozygotes.

Submissions (8):

Molecular Diagnostic Laboratory for Inherited Cardiovascular Disease, Montreal Heart Institute
Classification: Likely benign. Last evaluated: 2026-03-27. Review status: criteria provided, single submitter. Criteria: ACMG Guidelines, 2015. Collection method: clinical testing. Allele origin: germline. Affected: no.

Labcorp Genetics (formerly Invitae), Labcorp
Classification: Benign for Long QT syndrome. Last evaluated: 2026-02-03. Review status: criteria provided, single submitter. Criteria: Invitae Variant Classification Sherloc (09022015). Collection method: clinical testing. Allele origin: germline.

Mayo Clinic Laboratories, Mayo Clinic
Classification: Likely benign. Last evaluated: 2025-11-26. Review status: criteria provided, single submitter. Criteria: ACMG Guidelines, 2015. Collection method: clinical testing. Allele origin: germline. Observed: 3 variant alleles.
Comment: BS1, BP4, BP7

Blueprint Genetics
Classification: Likely benign. Last evaluated: 2024-11-06. Review status: criteria provided, single submitter. Criteria: ACMG Guidelines, 2015. Collection method: clinical testing. Allele origin: germline.

ARUP Laboratories, Molecular Genetics and Genomics, ARUP Laboratories
Classification: Benign. Last evaluated: 2024-09-16. Review status: criteria provided, single submitter. Criteria: ARUP Molecular Germline Variant Investigation Process 2024. Collection method: clinical testing. Allele origin: germline.

CeGaT Center for Human Genetics Tuebingen
Classification: Likely benign. Last evaluated: 2023-05-01. Review status: criteria provided, single submitter. Criteria: CeGaT Center For Human Genetics Tuebingen Variant Classification Criteria Version 2. Collection method: clinical testing. Allele origin: germline. Affected: yes. Observed: 2 variant alleles.
Comment: CACNA1C: BS1

Eurofins Ntd Llc (ga)
Classification: Benign. Last evaluated: 2015-10-06. Review status: criteria provided, single submitter. Criteria: EGL Classification Definitions 2015. Collection method: clinical testing. Allele origin: germline. Observed: 1 variant allele, 1 heterozygote.

GeneDx
Classification: Benign. Last evaluated: 2013-11-25. Review status: criteria provided, single submitter. Criteria: GeneDx Variant Classification (06012015). Collection method: clinical testing. Allele origin: germline. Affected: yes.
Comment: This variant is considered likely benign or benign based on one or more of the following criteria: it is a conservative change, it occurs at a poorly conserved position in the protein, it is predicted to be benign by multiple in silico algorithms, and/or has population frequency not consistent with disease.

NM_000719.7(CACNA1C):c.4624-9C>T

Genes: CACNA1C (calcium voltage-gated channel subunit alpha1 C; plus strand), CACNA1C-AS2 (CACNA1C antisense RNA 2; minus strand). Cytogenetic location: 12p13.33.
Variant type: single nucleotide variant.
Coding change: c.4624-9C>T on transcript NM_000719.7 (MANE Select); 9 bases into the intron before coding-DNA position 4624, C replaced by T.
Molecular consequence: intron variant. On other transcripts: non-coding transcript variant (1).
Genome position (GRCh38, 1-based): chr12:2,668,924, C>T. VCF-style: chr12-2668924-C-T. GRCh37 (hg19) VCF-style: chr12-2778090-C-T.
Other names: p.?; c.4624-9C>T (NM_001167624.3, NM_001167623.2, NM_001129840.2 and 7 more transcripts); c.4591-9C>T (NM_001167625.2, NM_001129837.2, NM_001129838.2 and 1 more transcripts); c.4768-9C>T (NM_199460.4, NM_001129827.2); c.4684-9C>T (NM_001129832.2); c.4708-9C>T (NM_001129831.2); c.4690-9C>T (NM_001129829.2); c.4585-9C>T (NM_001129839.2); and 2 more.
Identifiers: ClinVar variation 136627 (VCV000136627.50), dbSNP rs377568567, ClinGen allele CA289867.
Genomic context (GRCh38, chr12:2,668,924, plus strand): 5'-CCACGGTGTTCTGCGGTCCCCTAAGCACCGCCTGCCATCATCACCAGCTTTGCTTCTCTT[C>T]GCCTGCAGCGCCTGGTCTCCATGAACATGCCTCTGAACAGCGACGGGACAGTCATGTTCA-3'